The following is an entry in ClinVar:

ClinVar aggregate classification (germline): Uncertain significance (1 of 4 stars; one submission).

Conditions:
RAB23-related disorder. Also called: RAB23-related condition.

gnomAD v4.1: 22 of 1,606,622 alleles (0.0014%); highest among the groups gnomAD compares: Non-Finnish European, 0.0019%; no homozygotes.

Submission:

PreventionGenetics, part of Exact Sciences
Classification: Uncertain significance for RAB23-related condition. Last evaluated: 2026-07-11. Review status: criteria provided, single submitter. Criteria: ACMG Guidelines, 2015. Collection method: clinical testing. Allele origin: germline.
Comment: The RAB23 c.478G>C variant is predicted to result in the amino acid substitution p.Glu160Gln. To our knowledge, this variant has not been reported in the literature. This variant is reported in 0.00089% of alleles in individuals of European (Non-Finnish) descent in gnomAD. At this time, the clinical significance of this variant is uncertain due to the absence of conclusive functional and genetic evidence.

NM_016277.5(RAB23):c.478G>C (p.Glu160Gln)

Gene: RAB23 (RAB23, member RAS oncogene family; minus strand). Cytogenetic location: 6p12.1.
Variant type: single nucleotide variant.
Coding change: c.478G>C on transcript NM_016277.5 (MANE Select); coding-DNA position 478, G replaced by C.
Protein change: p.Glu160Gln; replaces glutamic acid 160 with glutamine.
Molecular consequence: missense variant.
Genome position (GRCh38, 1-based): chr6:57,194,773, C>G on the plus strand (G>C on the coding strand, the complement: RAB23 is on the minus strand). VCF-style: chr6-57194773-C-G. GRCh37 (hg19) VCF-style: chr6-57059571-C-G.
Other names: c.478G>C, p.Glu160Gln (NM_001278666.2, NM_001278667.2, NM_001278668.2 and 1 more transcripts); short protein forms E160Q.
Identifiers: ClinVar variation 4989738 (VCV004989738.1).